The following is an entry in ClinVar:

ClinVar aggregate classification (germline): Uncertain significance (1 of 4 stars; one submission).

Conditions:
Inborn genetic diseases. Identifiers: MedGen C0950123, MeSH D030342.

Submission:

Ambry Genetics
Classification: Uncertain significance for Inborn genetic diseases. Last evaluated: 2026-03-23. Review status: criteria provided, single submitter. Criteria: Ambry Variant Classification Scheme 2023. Collection method: clinical testing. Allele origin: germline.
Comment: The p.V867L variant (also known as c.2599G>T), located in coding exon 22 of the DNMT3A gene, results from a G to T substitution at nucleotide position 2599. The valine at codon 867 is replaced by leucine, an amino acid with highly similar properties. This amino acid position is conserved. In addition, the in silico prediction for this alteration is inconclusive. Based on the available evidence, the clinical significance of this variant remains unclear.

NM_022552.5(DNMT3A):c.2599G>T (p.Val867Leu)

Gene: DNMT3A (DNA methyltransferase 3 alpha; minus strand). Cytogenetic location: 2p23.3.
Variant type: single nucleotide variant.
Coding change: c.2599G>T on transcript NM_022552.5 (MANE Select); coding-DNA position 2599, G replaced by T.
Protein change: p.Val867Leu; replaces valine 867 with leucine.
Molecular consequence: missense variant. On other transcripts: non-coding transcript variant (1).
Genome position (GRCh38, 1-based): chr2:25,234,419, C>A on the plus strand (G>T on the coding strand, the complement: DNMT3A is on the minus strand). VCF-style: chr2-25234419-C-A. GRCh37 (hg19) VCF-style: chr2-25457288-C-A.
Other names: c.2143G>T, p.Val715Leu (NM_001320893.1); c.1930G>T, p.Val644Leu (NM_001375819.1); c.2032G>T, p.Val678Leu (NM_153759.3); c.2599G>T, p.Val867Leu (NM_175629.2); short protein forms V644L, V678L, V715L, V867L.
Identifiers: ClinVar variation 4869997 (VCV004869997.1).